The following is an entry in ClinVar:

NM_001393797.1(ABCC12):c.2719A>C (p.Arg907=)

Gene: ABCC12 (ATP binding cassette subfamily C member 12; minus strand). Cytogenetic location: 16q12.1.
Variant type: single nucleotide variant.
Coding change: c.2719A>C on transcript NM_001393797.1 (MANE Select); coding-DNA position 2719, A replaced by C.
Protein change: p.Arg907=; no amino-acid change (arginine 907 retained).
Molecular consequence: synonymous variant. On other transcripts: non-coding transcript variant (5).
Genome position (GRCh38, 1-based): chr16:48,104,323, T>G on the plus strand (A>C on the coding strand, the complement: ABCC12 is on the minus strand). VCF-style: chr16-48104323-T-G. GRCh37 (hg19) VCF-style: chr16-48138234-T-G.
Other names: c.2719A>C, p.Arg907= (NM_033226.3).
Identifiers: ClinVar variation 4979513 (VCV004979513.1).

ClinVar aggregate classification (germline): Likely benign (1 of 4 stars; one submission).

Conditions:
ABCC12-related condition.

gnomAD v4.1: 64 of 1,614,140 alleles (0.004%); highest among the groups gnomAD compares: East Asian, 0.14%; no homozygotes.

Submission:

PreventionGenetics, part of Exact Sciences
Classification: Likely benign for ABCC12-related condition. Last evaluated: 2026-06-07. Review status: criteria provided, single submitter. Criteria: ACMG Guidelines, 2015. Collection method: clinical testing. Allele origin: germline.
Comment: This variant is classified as likely benign based on ACMG/AMP sequence variant interpretation guidelines (Richards et al. 2015 PMID: 25741868, with internal and published modifications).